The following is an entry in ClinVar:

ClinVar aggregate classification (germline): Uncertain significance (1 of 4 stars; one submission).

gnomAD v4.1: 2 of 1,614,082 alleles (0.00012%); highest among the groups gnomAD compares: Non-Finnish European, 0.00017%; no homozygotes.

Submission:

GeneDx
Classification: Uncertain significance. Last evaluated: 2024-12-18. Review status: criteria provided, single submitter. Criteria: GeneDx Variant Classification Process June 2021. Collection method: clinical testing. Allele origin: germline. Affected: yes.
Comment: Not observed at significant frequency in large population cohorts (gnomAD); In silico analysis supports that this missense variant has a deleterious effect on protein structure/function; Has not been previously published as pathogenic or benign to our knowledge

NM_000384.3(APOB):c.8993G>A (p.Gly2998Asp)

Gene: APOB (apolipoprotein B; minus strand). Cytogenetic location: 2p24.1.
Variant type: single nucleotide variant.
Coding change: c.8993G>A on transcript NM_000384.3 (MANE Select); coding-DNA position 8993, G replaced by A.
Protein change: p.Gly2998Asp; replaces glycine 2998 with aspartic acid.
Molecular consequence: missense variant.
Genome position (GRCh38, 1-based): chr2:21,007,875, C>T on the plus strand (G>A on the coding strand, the complement: APOB is on the minus strand). VCF-style: chr2-21007875-C-T. GRCh37 (hg19) VCF-style: chr2-21230747-C-T.
Other names: short protein forms G2998D.
Identifiers: ClinVar variation 3906635 (VCV003906635.1).